The following is an entry in ClinVar:

ClinVar aggregate classification (germline): Pathogenic (1 of 4 stars; one submission).

Conditions:
Aicardi-Goutieres syndrome 5. Identifiers: Orphanet 51, MedGen C2749659, MONDO:0013059, OMIM 612952.

Submission:

Labcorp Genetics (formerly Invitae), Labcorp
Classification: Pathogenic for Aicardi-Goutieres syndrome 5. Last evaluated: 2021-08-13. Review status: criteria provided, single submitter. Criteria: Invitae Variant Classification Sherloc (09022015). Collection method: clinical testing. Allele origin: germline.
Comment: This variant has not been reported in the literature in individuals affected with SAMHD1-related conditions. For these reasons, this variant has been classified as Pathogenic. This variant is not present in population databases (ExAC no frequency). This sequence change creates a premature translational stop signal (p.Asn345Metfs*41) in the SAMHD1 gene. It is expected to result in an absent or disrupted protein product. Loss-of-function variants in SAMHD1 are known to be pathogenic (PMID: 19525956, 22461318).

Literature cited by the submitters: PubMed 19525956; PubMed 22461318.

NM_015474.4(SAMHD1):c.1034del (p.Asn345fs)

Gene: SAMHD1 (SAM and HD domain containing deoxynucleoside triphosphate triphosphohydrolase 1; minus strand). Cytogenetic location: 20q11.23.
Variant type: Deletion.
Coding change: c.1034del on transcript NM_015474.4 (MANE Select); coding-DNA position 1034, one base deleted (A; older notation c.1034delA).
Protein change: p.Asn345fs; shifts the reading frame from asparagine 345.
Molecular consequence: frameshift variant.
Genome position (GRCh38, 1-based): chr20:36,916,750, T deleted on the plus strand (A on the coding strand, the reverse complement: SAMHD1 is on the minus strand); the first of 2 consecutive T bases (chr20:36,916,750-36,916,751); deleting either gives the same sequence. VCF-style (leftmost placement, unchanged base first): chr20-36916749-AT-A. GRCh37 (hg19) VCF-style: chr20-35545152-AT-A.
Other names: c.1034del, p.Asn345fs (NM_001363729.2, NM_001363733.2); short protein forms N345fs.
Identifiers: ClinVar variation 1459644 (VCV001459644.6), dbSNP rs2146116814, ClinGen allele CA2573157080.